The following is an entry in ClinVar:

ClinVar aggregate classification (germline): Pathogenic (1 of 4 stars; one submission).

Conditions:
Alagille syndrome due to a JAG1 point mutation. Also called: HEPATIC DUCTULAR HYPOPLASIA, SYNDROMATIC; JAG1-Related Alagille Syndrome; Alagille Syndrome 1. Identifiers: Orphanet 261619, Orphanet 52, MedGen C1956125, MONDO:0016862, OMIM 118450.

Submission:

Labcorp Genetics (formerly Invitae), Labcorp
Classification: Pathogenic for Alagille syndrome due to a JAG1 point mutation. Last evaluated: 2022-01-21. Review status: criteria provided, single submitter. Criteria: Invitae Variant Classification Sherloc (09022015). Collection method: clinical testing. Allele origin: germline.
Comment: This sequence change creates a premature translational stop signal (p.Lys397*) in the JAG1 gene. It is expected to result in an absent or disrupted protein product. Loss-of-function variants in JAG1 are known to be pathogenic (PMID: 11180599). This variant is not present in population databases (gnomAD no frequency). This premature translational stop signal has been observed in individual(s) with Alagille syndrome (PMID: 9585603, 31343788). This variant is also known as K392X. For these reasons, this variant has been classified as Pathogenic.

Literature cited by the submitters: PubMed 11180599; PubMed 9585603; PubMed 31343788.

NM_000214.3(JAG1):c.1189A>T (p.Lys397Ter)

Gene: JAG1 (jagged canonical Notch ligand 1; minus strand). Cytogenetic location: 20p12.2.
Variant type: single nucleotide variant.
Coding change: c.1189A>T on transcript NM_000214.3 (MANE Select); coding-DNA position 1189, A replaced by T.
Protein change: p.Lys397Ter; replaces lysine 397 with a stop codon.
Molecular consequence: nonsense.
Genome position (GRCh38, 1-based): chr20:10,650,292, T>A on the plus strand (A>T on the coding strand, the complement: JAG1 is on the minus strand). VCF-style: chr20-10650292-T-A. GRCh37 (hg19) VCF-style: chr20-10630940-T-A.
Other names: short protein forms K397*.
Identifiers: ClinVar variation 2138335 (VCV002138335.4), dbSNP rs2514519179, ClinGen allele CA408238461.
Genomic context (GRCh38, chr20:10,650,292, plus strand): 5'-CAGGGATGTTCTTACCTAACTGGCACGTTTTCCCAGTCCACTGTGGGGGGCACACACACT[T>A]AAATCCGTTAACCAGGTCCTGGCAGGTGCCCCCGTGGGAACAGTTATTAGGAGAACAGTC-3'